The following is an entry in ClinVar:

NM_003274.5(TRAPPC10):c.1725T>A (p.Gly575=)

Gene: TRAPPC10 (trafficking protein particle complex subunit 10; plus strand). Cytogenetic location: 21q22.3.
Variant type: single nucleotide variant.
Coding change: c.1725T>A on transcript NM_003274.5 (MANE Select); coding-DNA position 1725, T replaced by A.
Protein change: p.Gly575=; no amino-acid change (glycine 575 retained).
Molecular consequence: synonymous variant.
Genome position (GRCh38, 1-based): chr21:44,082,789, T>A. VCF-style: chr21-44082789-T-A. GRCh37 (hg19) VCF-style: chr21-45502670-T-A.
Other names: c.324T>A, p.Gly108= (NM_001351709.1).
Identifiers: ClinVar variation 4883760 (VCV004883760.2).

ClinVar aggregate classification (germline): Uncertain significance (1 of 4 stars; one submission).

Submission:

Dasa
Classification: Uncertain significance. Last evaluated: 2026-04-28. Review status: criteria provided, single submitter. Criteria: DASA Assertion Criteria. Collection method: clinical testing. Allele origin: germline.
Comment: NM_003274.5(TRAPPC10):c.1725T>A (p.Gly575=) is a synonymous variant predicted not to alter the encoded amino acid sequence. This variant is rare in population databases. Computational prediction algorithms are consistent with a benign effect. The currently available literature and clinical evidence are not sufficient to establish a definitive association between this variant and the reported condition. Therefore, this variant is classified as a variant of uncertain significance.